The following is an entry in ClinVar:

ClinVar aggregate classification (germline): Benign/Likely benign. Review status: criteria provided, multiple submitters, no conflicts (2 of 4 stars). 6 submissions from 6 submitters: Benign (3); Likely benign (3). Last evaluated 2026-01-30.

Conditions:
Hereditary cancer-predisposing syndrome. Also called: Tumor predisposition; Hereditary Cancer Syndrome; Neoplastic Syndromes, Hereditary; Hereditary neoplastic syndrome. Identifiers: Orphanet 140162, MedGen C0027672, MeSH D009386, MONDO:0015356.
Gorlin syndrome. Also called: Nevoid Basal Cell Carcinoma Syndrome; Basal cell nevus syndrome. Identifiers: Orphanet 377, MedGen C0004779, MONDO:0007187.

Allele frequency attached by ClinVar (database versions not stated): 1000 Genomes Project 0.00140; 1000 Genomes Project 30x 0.00141.
gnomAD v4.1: 472 of 1,613,852 alleles (0.029%); highest among the groups gnomAD compares: South Asian, 0.48%; 2 homozygotes.

Submissions (6):

Labcorp Genetics (formerly Invitae), Labcorp
Classification: Benign for Gorlin syndrome. Last evaluated: 2026-01-30. Review status: criteria provided, single submitter. Criteria: Invitae Variant Classification Sherloc (09022015). Collection method: clinical testing. Allele origin: germline.

Blueprint Genetics
Classification: Likely benign. Last evaluated: 2024-10-16. Review status: criteria provided, single submitter. Criteria: ACMG Guidelines, 2015. Collection method: clinical testing. Allele origin: germline.

CeGaT Center for Human Genetics Tuebingen
Classification: Likely benign. Last evaluated: 2024-07-01. Review status: criteria provided, single submitter. Criteria: CeGaT Center For Human Genetics Tuebingen Variant Classification Criteria Version 2. Collection method: clinical testing. Allele origin: germline. Affected: yes. Observed: 1 variant allele.
Comment: PTCH1: BP4, BP7, BS1

KCCC/NGS Laboratory, Kuwait Cancer Control Center
Classification: Benign for Basal cell nevus syndrome 1. Last evaluated: 2023-07-07. Review status: criteria provided, single submitter. Criteria: ACMG Guidelines, 2015. Collection method: clinical testing. Allele origin: germline. Affected: yes.

Quest Diagnostics Nichols Institute San Juan Capistrano
Classification: Benign. Last evaluated: 2021-05-05. Review status: criteria provided, single submitter. Criteria: Quest Diagnostics criteria. Collection method: clinical testing. Allele origin: unknown.

Ambry Genetics
Classification: Likely benign for Hereditary cancer-predisposing syndrome. Last evaluated: 2018-05-09. Review status: criteria provided, single submitter. Criteria: Ambry Variant Classification Scheme 2023. Collection method: clinical testing. Allele origin: germline.

NM_000264.5(PTCH1):c.1962G>T (p.Thr654=)

Genes: PTCH1 (patched 1; minus strand), LOC100507346 (uncharacterized LOC100507346; plus strand). Cytogenetic location: 9q22.32.
Variant type: single nucleotide variant.
Coding change: c.1962G>T on transcript NM_000264.5 (MANE Select); coding-DNA position 1962, G replaced by T.
Protein change: p.Thr654=; no amino-acid change (threonine 654 retained).
Molecular consequence: synonymous variant. On other transcripts: non-coding transcript variant (2).
Genome position (GRCh38, 1-based): chr9:95,469,039, C>A on the plus strand (G>T on the coding strand, the complement: PTCH1 is on the minus strand). VCF-style: chr9-95469039-C-A. GRCh37 (hg19) VCF-style: chr9-98231321-C-A.
Other names: c.1764G>T, p.Thr588= (NM_001083602.3); c.1959G>T, p.Thr653= (NM_001083603.3); c.1509G>T, p.Thr503= (NM_001083604.3, NM_001083605.3, NM_001083606.3 and 1 more transcripts); c.1806G>T, p.Thr602= (NM_001354918.2).
Identifiers: ClinVar variation 237461 (VCV000237461.36), dbSNP rs201544613, ClinGen allele CA5138474.